The following is an entry in ClinVar:

NM_001367561.1(DOCK7):c.2827T>C (p.Ser943Pro)

Gene: DOCK7 (dedicator of cytokinesis 7; minus strand). Cytogenetic location: 1p31.3.
Variant type: single nucleotide variant.
Coding change: c.2827T>C on transcript NM_001367561.1 (MANE Select); coding-DNA position 2827, T replaced by C.
Protein change: p.Ser943Pro; replaces serine 943 with proline.
Molecular consequence: missense variant. On other transcripts: intron variant (3).
Genome position (GRCh38, 1-based): chr1:62,544,979, A>G on the plus strand (T>C on the coding strand, the complement: DOCK7 is on the minus strand). VCF-style: chr1-62544979-A-G. GRCh37 (hg19) VCF-style: chr1-63010650-A-G.
Other names: c.2827T>C, p.Ser943Pro (NM_001271999.2, NM_001330614.2); c.2767-1234T>C (NM_001272001.2, NM_001272000.2, NM_033407.4); short protein forms S943P.
Identifiers: ClinVar variation 2001618 (VCV002001618.4), dbSNP rs2524869408, ClinGen allele CA340615850.
Genomic context (GRCh38, chr1:62,544,979, plus strand): 5'-ATAAAGAAACCTCTAATATAAACACCACCTGTGTTGATTCTGCACTTGGACTGGGGTTGG[A>G]TCCCCATGGGGCAGCTTTTGGACCACCAGTGTTAACCCAGGAATTGGAGCGATCTAAACC-3'
Protein context (NP_001354490.1, residues 933-953): TGGPKAAPWG[Ser943Pro]NPSPSAESTQ

ClinVar aggregate classification (germline): Uncertain significance (1 of 4 stars; one submission).

Conditions:
Developmental and epileptic encephalopathy, 23 (DEE23). Also called: Epileptic encephalopathy, early infantile, 23. Identifiers: Orphanet 411986, MedGen C4014492, MONDO:0014371, OMIM 615859.

Submission:

Labcorp Genetics (formerly Invitae), Labcorp
Classification: Uncertain significance for Developmental and epileptic encephalopathy, 23. Last evaluated: 2024-02-26. Review status: criteria provided, single submitter. Criteria: Invitae Variant Classification Sherloc (09022015). Collection method: clinical testing. Allele origin: germline.
Comment: This sequence change replaces serine, which is neutral and polar, with proline, which is neutral and non-polar, at codon 943 of the DOCK7 protein (p.Ser943Pro). This variant is not present in population databases (gnomAD no frequency). This variant has not been reported in the literature in individuals affected with DOCK7-related conditions. ClinVar contains an entry for this variant (Variation ID: 2001618). An algorithm developed to predict the effect of missense changes on protein structure and function (PolyPhen-2) suggests that this variant is likely to be tolerated. In summary, the available evidence is currently insufficient to determine the role of this variant in disease. Therefore, it has been classified as a Variant of Uncertain Significance.